The following is an entry in ClinVar:

NM_001458.5(FLNC):c.5735del (p.Gly1912fs)

Genes: FLNC-AS1 (FLNC antisense RNA 1; minus strand), FLNC (filamin C; plus strand). Cytogenetic location: 7q32.1.
Variant type: Deletion.
Coding change: c.5735del on transcript NM_001458.5 (MANE Select); coding-DNA position 5735, one base deleted (G; older notation c.5735delG).
Protein change: p.Gly1912fs; shifts the reading frame from glycine 1912.
Molecular consequence: frameshift variant.
Genome position (GRCh38, 1-based): chr7:128,851,521, G deleted; the last of 2 consecutive G bases (chr7:128,851,520-128,851,521); deleting either gives the same sequence. VCF-style (leftmost placement, unchanged base first): chr7-128851519-TG-T. GRCh37 (hg19) VCF-style: chr7-128491573-TG-T.
Other names: c.5636del, p.Gly1879fs (NM_001127487.2); short protein forms G1879fs, G1912fs.
Identifiers: ClinVar variation 3758610 (VCV003758610.2).

ClinVar aggregate classification (germline): Pathogenic (1 of 4 stars; one submission).

Conditions:
Distal myopathy with posterior leg and anterior hand involvement. Also called: WILLIAMS DISTAL MYOPATHY. Identifiers: Orphanet 63273, MedGen C3279722, MONDO:0013550, OMIM 614065.
Hypertrophic cardiomyopathy 26. Also called: Cardiomyopathy, familial hypertrophic, 26. Identifiers: Orphanet 75249, MedGen C4310749, MONDO:0014883, OMIM 617047.
Myofibrillar myopathy 5. Also called: Filaminopathy (type); FILAMINOPATHY, AUTOSOMAL DOMINANT. Identifiers: Orphanet 171445, MedGen C1836050, MONDO:0012289, OMIM 609524.

Submission:

Labcorp Genetics (formerly Invitae), Labcorp
Classification: Pathogenic for Distal myopathy with posterior leg and anterior hand involvement; Myofibrillar myopathy 5; Hypertrophic cardiomyopathy 26. Last evaluated: 2024-09-11. Review status: criteria provided, single submitter. Criteria: Invitae Variant Classification Sherloc (09022015). Collection method: clinical testing. Allele origin: germline.
Comment: This sequence change creates a premature translational stop signal (p.Gly1912Alafs*41) in the FLNC gene. It is expected to result in an absent or disrupted protein product. Loss-of-function variants in FLNC are known to be pathogenic (PMID: 27908349). This variant is not present in population databases (gnomAD no frequency). This variant has not been reported in the literature in individuals affected with FLNC-related conditions. For these reasons, this variant has been classified as Pathogenic.

Literature cited by the submitters: PubMed 27908349.